The following is an entry in ClinVar:

ClinVar aggregate classification (germline): Uncertain significance (1 of 4 stars; one submission).

Conditions:
Fanconi anemia complementation group Q. Identifiers: Orphanet 84, MedGen C3808988, MONDO:0014108, OMIM 615272.
Xeroderma pigmentosum, group F (XPF). Also called: XERODERMA PIGMENTOSUM, TYPE F; Xeroderma pigmentosum, type 6; XERODERMA PIGMENTOSUM VI; XP, GROUP F; XERODERMA PIGMENTOSUM, COMPLEMENTATION GROUP F; ERCC4-Related Xeroderma Pigmentosum. Identifiers: MedGen C0268140, MONDO:0010215, OMIM 278760.
Cockayne syndrome. Identifiers: Orphanet 191, MedGen C0009207, MONDO:0016006.

Submission:

Labcorp Genetics (formerly Invitae), Labcorp
Classification: Uncertain significance for Fanconi anemia complementation group Q; Xeroderma pigmentosum, group F; Cockayne syndrome. Last evaluated: 2024-02-23. Review status: criteria provided, single submitter. Criteria: Invitae Variant Classification Sherloc (09022015). Collection method: clinical testing. Allele origin: germline.
Comment: This sequence change replaces glutamic acid, which is acidic and polar, with lysine, which is basic and polar, at codon 836 of the ERCC4 protein (p.Glu836Lys). Information on the frequency of this variant in the gnomAD database is not available, as this variant may be reported differently in the database. This variant has not been reported in the literature in individuals affected with ERCC4-related conditions. ClinVar contains an entry for this variant (Variation ID: 1984750). Experimental studies and prediction algorithms are not available or were not evaluated, and the functional significance of this variant is currently unknown. In summary, the available evidence is currently insufficient to determine the role of this variant in disease. Therefore, it has been classified as a Variant of Uncertain Significance.

NM_005236.3(ERCC4):c.2505_2506inv (p.Glu836Lys)

Gene: ERCC4 (ERCC excision repair 4, endonuclease catalytic subunit; plus strand). Cytogenetic location: 16p13.12.
Variant type: Inversion.
Coding change: c.2505_2506inv on transcript NM_005236.3 (MANE Select).
Protein change: p.Glu836Lys; replaces glutamic acid 836 with lysine.
Molecular consequence: missense variant.
Genome position: GRCh38 VCF-style: chr16-13948101-TG-CA. GRCh37 (hg19) VCF-style: chr16-14041958-TG-CA.
Other names: short protein forms E836K.
Identifiers: ClinVar variation 1984750 (VCV001984750.2), ClinGen allele CA2580090715.